The following is an entry in ClinVar:

ClinVar aggregate classification (germline): Uncertain significance. Review status: criteria provided, multiple submitters, no conflicts (2 of 4 stars). 2 submissions from 2 submitters: Uncertain significance (2). Last evaluated 2026-07-21.

Conditions:
Inborn genetic diseases. Identifiers: MedGen C0950123, MeSH D030342.

Allele frequency attached by ClinVar (database versions not stated): gnomAD exomes below 0.00001; gnomAD 0.00001.
gnomAD v4.1: 5 of 1,603,160 alleles (0.00031%); highest among the groups gnomAD compares: African/African-American, 0.0027%; no homozygotes.

Submissions (2):

Ambry Genetics
Classification: Uncertain significance for Inborn genetic diseases. Last evaluated: 2026-07-21. Review status: criteria provided, single submitter. Criteria: Ambry Variant Classification Scheme 2023. Collection method: clinical testing. Allele origin: germline.
Comment: The p.M487V variant (also known as c.1459A>G), located in coding exon 13 of the ANKRD26 gene, results from an A to G substitution at nucleotide position 1459. The methionine at codon 487 is replaced by valine, an amino acid with highly similar properties. This amino acid position is conserved. In addition, this alteration is predicted to be tolerated by in silico analysis. Based on the available evidence, the clinical significance of this variant remains unclear.

Labcorp Genetics (formerly Invitae), Labcorp
Classification: Uncertain significance. Last evaluated: 2022-09-24. Review status: criteria provided, single submitter. Criteria: Invitae Variant Classification Sherloc (09022015). Collection method: clinical testing. Allele origin: germline.
Comment: This variant is present in population databases (no rsID available, gnomAD 0.004%). In summary, the available evidence is currently insufficient to determine the role of this variant in disease. Therefore, it has been classified as a Variant of Uncertain Significance. Algorithms developed to predict the effect of sequence changes on RNA splicing suggest that this variant may create or strengthen a splice site. Algorithms developed to predict the effect of missense changes on protein structure and function output the following: SIFT: "Tolerated"; PolyPhen-2: "Benign"; Align-GVGD: "Class C0". The valine amino acid residue is found in multiple mammalian species, which suggests that this missense change does not adversely affect protein function. This variant has not been reported in the literature in individuals affected with ANKRD26-related conditions. This sequence change replaces methionine, which is neutral and non-polar, with valine, which is neutral and non-polar, at codon 487 of the ANKRD26 protein (p.Met487Val).

NM_014915.3(ANKRD26):c.1459A>G (p.Met487Val)

Gene: ANKRD26 (ankyrin repeat domain 26; minus strand). Cytogenetic location: 10p12.1.
Variant type: single nucleotide variant.
Coding change: c.1459A>G on transcript NM_014915.3 (MANE Select); coding-DNA position 1459, A replaced by G.
Protein change: p.Met487Val; replaces methionine 487 with valine.
Molecular consequence: missense variant.
Genome position (GRCh38, 1-based): chr10:27,061,147, T>C on the plus strand (A>G on the coding strand, the complement: ANKRD26 is on the minus strand). VCF-style: chr10-27061147-T-C. GRCh37 (hg19) VCF-style: chr10-27350076-T-C.
Other names: c.1459A>G, p.Met487Val (NM_001256053.2); short protein forms M487V.
Identifiers: ClinVar variation 2182617 (VCV002182617.6), dbSNP rs1441201952, ClinGen allele CA376357931.